The following is an entry in ClinVar:

NM_006440.5(TXNRD2):c.1484G>A (p.Gly495Asp)

Gene: TXNRD2 (thioredoxin reductase 2; minus strand). Cytogenetic location: 22q11.21.
Variant type: single nucleotide variant.
Coding change: c.1484G>A on transcript NM_006440.5 (MANE Select); coding-DNA position 1484, G replaced by A.
Protein change: p.Gly495Asp; replaces glycine 495 with aspartic acid.
Molecular consequence: missense variant. On other transcripts: non-coding transcript variant (1).
Genome position (GRCh38, 1-based): chr22:19,877,196, C>T on the plus strand (G>A on the coding strand, the complement: TXNRD2 is on the minus strand). VCF-style: chr22-19877196-C-T. GRCh37 (hg19) VCF-style: chr22-19864719-C-T.
Other names: c.1481G>A, p.Gly494Asp (NM_001352300.2); c.1394G>A, p.Gly465Asp (NM_001352301.2); c.1196G>A, p.Gly399Asp (NM_001352302.2); short protein forms G495D, G465D, G494D, G399D.
Identifiers: ClinVar variation 426604 (VCV000426604.2), dbSNP rs773949487, ClinGen allele CA10103611.
Genomic context (GRCh38, chr22:19,877,196, plus strand): 5'-AGGCCTGAGCGCTTGGAGATGCGCAGCTTGACTACCTCCTCAGAGCATGTGGGATGGATA[C>T]CCACGGTCCGCATCACCTGCGCATAGGAAGCCCCACACCTGCACATGGGGGATGGGGGAG-3'
Protein context (NP_006431.2, residues 485-505): ASYAQVMRTV[Gly495Asp]IHPTCSEEVV

ClinVar aggregate classification (germline): Uncertain significance (1 of 4 stars; one submission).

Allele frequency attached by ClinVar (database versions not stated): gnomAD exomes below 0.00001; ExAC 0.00001.

Submission:

GeneDx
Classification: Uncertain significance. Last evaluated: 2017-04-11. Review status: criteria provided, single submitter. Criteria: GeneDx Variant Classification (06012015). Collection method: clinical testing. Allele origin: germline. Affected: yes.
Comment: variant of uncertain significance has been identified in the TXNRD2 gene. The G495D variant has not been published as pathogenic or been reported as benign to our knowledge. Additionally, the G495D variant is not observed in large population cohorts (Lek et al., 2016; 1000 Genomes Consortium et al., 2015; Exome Variant Server). The G495D variant is a non-conservative amino acid substitution, which is likely to impact secondary protein structure as these residues differ in polarity, charge, size and/or other properties. Furthermore, this substitution occurs at a position that is conserved across species and in silico analysis predicts this variant is probably damaging to the protein structure/function. Nevertheless, this variant has not been observed in a significant number of affected individuals, and it lacks both segregation and functional studies which would further clarify its pathogenicity.